The following is an entry in ClinVar:

ClinVar aggregate classification (germline): Uncertain significance (1 of 4 stars; one submission).

Submissions (2):

Dasa
Classification: Uncertain significance. Last evaluated: 2024-11-27. Review status: criteria provided, single submitter. Criteria: DASA Assertion Criteria. Collection method: clinical testing. Allele origin: germline.
Comment: NM_031935.3(HMCN1):c.16541+1G>A affects a canonical splice site and is predicted to disrupt normal RNA splicing. This variant is absent from population databases. The currently available literature and clinical evidence are not sufficient to establish a definitive association between this variant and the reported condition. Therefore, this variant is classified as a variant of uncertain significance.

Dr. Peter K. Rogan Lab, Western University
No classification provided (evidence only). Condition: Melanoma. Review status: no classification provided. Collection method: in vitro. Allele origin: not applicable. Functional consequence: skipped exon, retained intron. Not counted in ClinVar's aggregate classification.

NM_031935.3(HMCN1):c.16541+1G>A

Genes: HMCN1 (hemicentin 1; plus strand), LOC126805953 (P300/CBP strongly-dependent group 1 enhancer GRCh37_chr1:186156636-186157835; plus strand). Cytogenetic location: 1q31.1.
Variant type: single nucleotide variant.
Coding change: c.16541+1G>A on transcript NM_031935.3 (MANE Select); the canonical splice donor site of the intron after coding-DNA position 16541, G replaced by A.
Molecular consequence: splice donor variant.
Genome position (GRCh38, 1-based): chr1:186,188,010, G>A. VCF-style: chr1-186188010-G-A. GRCh37 (hg19) VCF-style: chr1-186157142-G-A.
Other names: NC_000001.10:g.186157142G>A.
Identifiers: ClinVar variation 4335379 (VCV004335379.3).